The following is an entry in ClinVar:

ClinVar aggregate classification (germline): Uncertain significance (1 of 4 stars; one submission).

Conditions:
Hereditary cancer-predisposing syndrome. Also called: Tumor predisposition; Neoplastic Syndromes, Hereditary; Hereditary neoplastic syndrome; Hereditary Cancer Syndrome. Identifiers: Orphanet 140162, MedGen C0027672, MeSH D009386, MONDO:0015356.

Submission:

Ambry Genetics
Classification: Uncertain significance for Hereditary cancer-predisposing syndrome. Last evaluated: 2025-07-01. Review status: criteria provided, single submitter. Criteria: Ambry Variant Classification Scheme 2023. Collection method: clinical testing. Allele origin: germline.
Comment: The c.2418+1delG intronic variant, located in intron 9 of the MET gene, results from a deletion of one nucleotide within intron 9 of the MET gene. This nucleotide position is highly conserved in available vertebrate species. In silico splice site analysis predicts that this alteration may weaken the native splice donor site. Alterations that disrupt the canonical splice site are expected to cause aberrant splicing, resulting in an abnormal protein or a transcript that is subject to nonsense-mediated mRNA decay. However, loss of function of MET has not been established as a mechanism of disease. Based on the available evidence, the clinical significance of this alteration remains unclear.

NM_000245.4(MET):c.2364+1del

Gene: MET (MET proto-oncogene, receptor tyrosine kinase; plus strand). Cytogenetic location: 7q31.2.
Variant type: Deletion.
Coding change: c.2364+1del on transcript NM_000245.4 (MANE Select); the canonical splice donor site of the intron after coding-DNA position 2364, one base deleted (G; older notation c.2364+1delG).
Molecular consequence: splice donor variant.
Genome position (GRCh38, 1-based): chr7:116,759,491, G deleted; the last of 2 consecutive G bases (chr7:116,759,490-116,759,491); deleting either gives the same sequence. VCF-style (leftmost placement, unchanged base first): chr7-116759489-TG-T. GRCh37 (hg19) VCF-style: chr7-116399543-TG-T.
Other names: c.2418+1del (NM_001127500.3); c.1074+1del (NM_001324402.2); c.2364+1del (NM_001324401.3).
Identifiers: ClinVar variation 4106747 (VCV004106747.1).